The following is an entry in ClinVar:

ClinVar aggregate classification (germline): Uncertain significance (1 of 4 stars; one submission).

Allele frequency attached by ClinVar (database versions not stated): gnomAD exomes below 0.00001; TOPMed below 0.00001.
gnomAD v4.1: 5 of 1,207,287 alleles (0.00041%); highest among the groups gnomAD compares: Middle Eastern, 0.023%; no homozygotes.

Submission:

GeneDx
Classification: Uncertain significance. Last evaluated: 2023-04-28. Review status: criteria provided, single submitter. Criteria: GeneDx Variant Classification Process June 2021. Collection method: clinical testing. Allele origin: germline. Affected: yes.
Comment: Not observed at significant frequency in large population cohorts (gnomAD); In silico analysis supports that this missense variant has a deleterious effect on protein structure/function; Has not been previously published as pathogenic or benign to our knowledge

NM_201599.3(ZMYM3):c.1651C>T (p.Arg551Cys)

Gene: ZMYM3 (zinc finger MYM-type containing 3; minus strand). Cytogenetic location: Xq13.1.
Variant type: single nucleotide variant.
Coding change: c.1651C>T on transcript NM_201599.3 (MANE Select); coding-DNA position 1651, C replaced by T.
Protein change: p.Arg551Cys; replaces arginine 551 with cysteine.
Molecular consequence: missense variant.
Genome position (GRCh38, 1-based): chrX:71,248,772, G>A on the plus strand (C>T on the coding strand, the complement: ZMYM3 is on the minus strand). VCF-style: chrX-71248772-G-A. GRCh37 (hg19) VCF-style: chrX-70468622-G-A.
Other names: c.1651C>T, p.Arg551Cys (NM_001171162.1, NM_005096.3); short protein forms R551C.
Identifiers: ClinVar variation 2661973 (VCV002661973.1), dbSNP rs766597461, ClinGen allele CA10445752.